The following is an entry in ClinVar:

ClinVar aggregate classification (germline): Likely pathogenic. Review status: criteria provided, multiple submitters, no conflicts (2 of 4 stars). 2 submissions from 2 submitters: Likely pathogenic (2). Last evaluated 2025-12-05.

Conditions:
Hereditary factor VIII deficiency disease (HEMA). Also called: HEMOPHILIA, CLASSIC; AUTOSOMAL HEMOPHILIA A; Hemophilia A; Hemophilia A, congenital; HEM A; Factor 8 deficiency, congenital. Identifiers: Orphanet 98878, MedGen C0019069, MONDO:0010602, OMIM 306700.

Submissions (2):

3billion
Classification: Likely pathogenic for Hereditary factor VIII deficiency disease. Last evaluated: 2025-12-05. Review status: criteria provided, single submitter. Criteria: ACMG Guidelines, 2015. Collection method: clinical testing. Allele origin: germline. Affected: yes.
Comment: The variant is observed at an extremely low frequency in the gnomAD v4.1.0 dataset (total allele frequency: <0.001%). Predicted Consequence/Location: Synonymous variant Functional studies provide moderate evidence of the variant having a damaging effect on the gene or gene product (PMID: 30690819). In silico tools predict the variant to alter splicing and produce an abnormal transcript [SpliceAI: 0.97 (>=0.2, moderate evidence for spliceogenicity)]. The variant has been reported to be associated with F8-related disorder (ClinVar ID: VCV003769559 /PMID: 30690819). Therefore, this variant is classified as Likely pathogenic according to the recommendation of ACMG/AMP guideline.

Women's Health and Genetics/Laboratory Corporation of America, LabCorp
Classification: Likely pathogenic for Hereditary factor VIII deficiency disease. Last evaluated: 2025-01-16. Review status: criteria provided, single submitter. Criteria: LabCorp Variant Classification Summary - May 2015. Collection method: clinical testing. Allele origin: germline.
Comment: Variant summary: F8 c.1167A>G alters a non-conserved nucleotide resulting in a synonymous change. Several computational tools predict a significant impact on normal splicing: four predict the variant creates a 3' acceptor site. At least one publication reported experimental evidence that this variant affects mRNA splicing (Jourdy_2019). The variant was absent in 183397 control chromosomes (gnomAD). c.1167A>G has been reported in the literature in an individual affected with Factor VIII Deficiency (Hemophilia A), and the phenotype was classified as 'mild' based on (residual) FVIII activity (Jourdy_2019). The authors of this study also reported experimental evidence performing minigene assays, and demonstrated that the variant resulted in a partial impact on splicing (Jourdy_2019). The following publication has been ascertained in the context of this evaluation (PMID: 30690819). No submitters have cited clinical-significance assessments for this variant to ClinVar. Based on the evidence outlined above, the variant was classified as likely pathogenic.

Literature cited by the submitters: PubMed 30690819 (cited by 3billion and Women's Health and Genetics/Laboratory Corporation of America, LabCorp).

NM_000132.4(F8):c.1167A>G (p.Gln389=)

Gene: F8 (coagulation factor VIII; minus strand). Cytogenetic location: Xq28.
Variant type: single nucleotide variant.
Coding change: c.1167A>G on transcript NM_000132.4 (MANE Select); coding-DNA position 1167, A replaced by G.
Protein change: p.Gln389=; no amino-acid change (glutamine 389 retained).
Molecular consequence: synonymous variant.
Genome position (GRCh38, 1-based): chrX:154,966,530, T>C on the plus strand (A>G on the coding strand, the complement: F8 is on the minus strand). VCF-style: chrX-154966530-T-C. GRCh37 (hg19) VCF-style: chrX-154194805-T-C.
Identifiers: ClinVar variation 3769559 (VCV003769559.3).